The following is an entry in ClinVar:

ClinVar aggregate classification (germline): Uncertain significance (1 of 4 stars; one submission).

gnomAD v4.1: 11 of 1,584,812 alleles (0.00069%); highest among the groups gnomAD compares: African/African-American, 0.0013%; no homozygotes.

Submission:

GeneDx
Classification: Uncertain significance. Last evaluated: 2025-04-09. Review status: criteria provided, single submitter. Criteria: GeneDx Variant Classification Process June 2021. Collection method: clinical testing. Allele origin: germline. Affected: yes.
Comment: Not observed at significant frequency in large population cohorts (gnomAD); In silico analysis supports that this missense variant has a deleterious effect on protein structure/function; Has not been previously published as pathogenic or benign to our knowledge

NM_001814.6(CTSC):c.38T>C (p.Leu13Pro)

Genes: CTSC (cathepsin C; minus strand), LOC130006572 (ATAC-STARR-seq lymphoblastoid active region 5382; plus strand). Cytogenetic location: 11q14.2.
Variant type: single nucleotide variant.
Coding change: c.38T>C on transcript NM_001814.6 (MANE Select); coding-DNA position 38, T replaced by C.
Protein change: p.Leu13Pro; replaces leucine 13 with proline.
Molecular consequence: missense variant.
Genome position (GRCh38, 1-based): chr11:88,337,635, A>G on the plus strand (T>C on the coding strand, the complement: CTSC is on the minus strand). VCF-style: chr11-88337635-A-G. GRCh37 (hg19) VCF-style: chr11-88070803-A-G.
Other names: c.38T>C, p.Leu13Pro (NM_148170.5, NM_001114173.3); short protein forms L13P.
Identifiers: ClinVar variation 4281822 (VCV004281822.1).